The following is an entry in ClinVar:

NM_000540.3(RYR1):c.7416C>G (p.Leu2472=)

Gene: RYR1 (ryanodine receptor 1; plus strand). Cytogenetic location: 19q13.2.
Variant type: single nucleotide variant.
Coding change: c.7416C>G on transcript NM_000540.3 (MANE Select); coding-DNA position 7416, C replaced by G.
Protein change: p.Leu2472=; no amino-acid change (leucine 2472 retained).
Molecular consequence: synonymous variant.
Genome position (GRCh38, 1-based): chr19:38,500,698, C>G. VCF-style: chr19-38500698-C-G. GRCh37 (hg19) VCF-style: chr19-38991338-C-G.
Other names: c.7416C>G, p.Leu2472= (NM_001042723.2).
Identifiers: ClinVar variation 723033 (VCV000723033.12), dbSNP rs932151684, ClinGen allele CA308110445.
Genomic context (GRCh38, chr19:38,500,698, plus strand): 5'-GATCCGCGCCATCCTCCGCTCCCTTGTGCCCTTGGAGGACCTTGTGGGCATCATCAGCCT[C>G]CCACTGCAGATTCCCACCCTGGGCAAAGGTGCAGAGGGGATGGAACTTGGCGAAGGAGTG-3'
Protein context (NP_000531.2, residues 2462-2482): PLEDLVGIIS[Leu2472=]PLQIPTLGKD

ClinVar aggregate classification (germline): Likely benign. Review status: criteria provided, multiple submitters, no conflicts (2 of 4 stars). 3 submissions from 3 submitters: Likely benign (3). Last evaluated 2024-07-20.

Conditions:
RYR1-related disorder. Also called: RYR1-related disorders; RYR1-related condition. Identifiers: MedGen CN239331.
Malignant hyperthermia, susceptibility to, 1 (MHS1). Also called: Anesthesia related hyperthermia; Malignant hyperpyrexia; Fulminating hyperpyrexia; Pharmacogenic myopathy; Malignant hyperthermia suceptibility 1; RYR1-Related Malignant Hyperthermia Susceptibility. Identifiers: Orphanet 423, MedGen C2930980, MONDO:0007783, OMIM 145600.

Allele frequency attached by ClinVar (database versions not stated): gnomAD 0.00001 and 0.00002.
gnomAD v4.1: 3 of 1,614,016 alleles (0.00019%); highest among the groups gnomAD compares: Admixed American, 0.005%; no homozygotes.

Submissions (3):

All of Us Research Program, National Institutes of Health
Classification: Likely benign for Malignant hyperthermia, susceptibility to, 1. Last evaluated: 2024-07-20. Review status: criteria provided, single submitter. Criteria: ACMG Guidelines, 2015. Collection method: clinical testing. Allele origin: germline. Inheritance: Autosomal dominant inheritance. Observed: 2 variant alleles, 2 heterozygotes.
Comment: This study involves interpretation of variants in research participants for the purpose of population health screening. Participant phenotype was not available at the time of variant classification. Additional details can be found in publication PMID: 35346344, PMCID: PMC8962531

Labcorp Genetics (formerly Invitae), Labcorp
Classification: Likely benign for RYR1-related disorder. Last evaluated: 2023-08-20. Review status: criteria provided, single submitter. Criteria: Invitae Variant Classification Sherloc (09022015). Collection method: clinical testing. Allele origin: germline.

Color Diagnostics, LLC DBA Color Health
Classification: Likely benign for Malignant hyperthermia, susceptibility to, 1. Last evaluated: 2023-02-14. Review status: criteria provided, single submitter. Criteria: ACMG Guidelines, 2015. Collection method: clinical testing. Allele origin: germline.